The following is an entry in ClinVar:

ClinVar aggregate classification (germline): Conflicting classifications of pathogenicity. Review status: criteria provided, conflicting classifications (1 of 4 stars). 2 submissions from 2 submitters: Likely pathogenic (1); Uncertain significance (1). Last evaluated 2022-04-11.

Submissions (2):

Labcorp Genetics (formerly Invitae), Labcorp
Classification: Likely pathogenic. Last evaluated: 2022-04-11. Review status: criteria provided, single submitter. Criteria: Invitae Variant Classification Sherloc (09022015). Collection method: clinical testing. Allele origin: germline.
Comment: This variant is not present in population databases (gnomAD no frequency). In summary, the currently available evidence indicates that the variant is pathogenic, but additional data are needed to prove that conclusively. Therefore, this variant has been classified as Likely Pathogenic. Algorithms developed to predict the effect of missense changes on protein structure and function (SIFT, PolyPhen-2, Align-GVGD) all suggest that this variant is likely to be disruptive. This missense change has been observed in individual(s) with clinical features of Ogden syndrome (Invitae). In at least one individual the variant was observed to be de novo. This sequence change replaces arginine, which is basic and polar, with glycine, which is neutral and non-polar, at codon 4 of the NAA10 protein (p.Arg4Gly).

Revvity Omics, Revvity
Classification: Uncertain significance. Last evaluated: 2020-08-21. Review status: criteria provided, single submitter. Criteria: ACMG Guidelines, 2015. Collection method: clinical testing. Allele origin: germline.

NM_003491.4(NAA10):c.10C>G (p.Arg4Gly)

Genes: NAA10 (N-alpha-acetyltransferase 10, NatA catalytic subunit; minus strand), LOC130068840 (ATAC-STARR-seq lymphoblastoid silent region 21075; plus strand). Cytogenetic location: Xq28.
Variant type: single nucleotide variant.
Coding change: c.10C>G on transcript NM_003491.4 (MANE Select); coding-DNA position 10, C replaced by G.
Protein change: p.Arg4Gly; replaces arginine 4 with glycine.
Molecular consequence: missense variant.
Genome position (GRCh38, 1-based): chrX:153,934,895, G>C on the plus strand (C>G on the coding strand, the complement: NAA10 is on the minus strand). VCF-style: chrX-153934895-G-C. GRCh37 (hg19) VCF-style: chrX-153200348-G-C.
Other names: c.10C>G, p.Arg4Gly (NM_001256119.2, NM_001256120.2); short protein forms R4G.
Identifiers: ClinVar variation 1387530 (VCV001387530.8), dbSNP rs2148537151, ClinGen allele CA415163295.